The following is an entry in ClinVar:

ClinVar aggregate classification (germline): Uncertain significance. Review status: criteria provided, multiple submitters, no conflicts (2 of 4 stars). 2 submissions from 2 submitters: Uncertain significance (2). Last evaluated 2019-01-30.

Conditions:
Cardiovascular phenotype. Identifiers: MedGen CN230736.
Primary dilated cardiomyopathy (DCM). Also called: Dilated Cardiomyopathy. Identifiers: Orphanet 217604, MedGen C0007193, MeSH D002311, MONDO:0005021, HP:0001644. Inheritance: Various modes of inheritance.

Allele frequency attached by ClinVar (database versions not stated): gnomAD exomes 0.00001 and below 0.00001.
gnomAD v4.1: 3 of 1,608,110 alleles (0.00019%); highest among the groups gnomAD compares: Non-Finnish European, 0.00026%; no homozygotes.

Submissions (2):

Labcorp Genetics (formerly Invitae), Labcorp
Classification: Uncertain significance for Primary dilated cardiomyopathy. Last evaluated: 2019-01-30. Review status: criteria provided, single submitter. Criteria: Invitae Variant Classification Sherloc (09022015). Collection method: clinical testing. Allele origin: germline.
Comment: This sequence change replaces methionine with valine at codon 276 of the NEBL protein (p.Met276Val). The methionine residue is moderately conserved and there is a small physicochemical difference between methionine and valine. This variant is not present in population databases (ExAC no frequency). In summary, the available evidence is currently insufficient to determine the role of this variant in disease. Therefore, it has been classified as a Variant of Uncertain Significance. Algorithms developed to predict the effect of missense changes on protein structure and function (SIFT, PolyPhen-2, Align-GVGD) all suggest that this variant is likely to be tolerated, but these predictions have not been confirmed by published functional studies and their clinical significance is uncertain. This variant has not been reported in the literature in individuals with NEBL-related conditions. ClinVar contains an entry for this variant (Variation ID: 520252).

Ambry Genetics
Classification: Uncertain significance for Cardiovascular phenotype. Last evaluated: 2013-10-15. Review status: criteria provided, single submitter. Criteria: Ambry Autosomal Dominant and X-Linked criteria (10/2015). Collection method: clinical testing. Allele origin: germline. Observed: 1 variant allele.
Comment: The p.M276V variant (also known as c.826A>G) is located in coding exon 9 of the NEBLgene. This alteration results from an A to G substitution at nucleotide position 826. The methionine at codon 276 is replaced by valine, an amino acid with highly similar properties. This variant was not reported in population-based cohorts in the following databases: Database of Single Nucleotide Polymorphisms (dbSNP), the 1000 Genomes Project and the NHLBI Exome Sequencing Project (ESP). In the ESP, this variant was not observed in 6503 samples (13006 alleles) with coverage at this position. Based on protein sequence alignment, this amino acid position is not well conserved in available vertebrate species. In addition, this alteration is predicted to be benign and tolerated by PolyPhen and SIFT in silico analyses, respectively. Since supporting evidence is limited at this time, the clinical significance of this variant remains unclear.

NM_006393.3(NEBL):c.826A>G (p.Met276Val)

Gene: NEBL (nebulette; minus strand). Cytogenetic location: 10p12.31.
Variant type: single nucleotide variant.
Coding change: c.826A>G on transcript NM_006393.3 (MANE Select); coding-DNA position 826, A replaced by G.
Protein change: p.Met276Val; replaces methionine 276 with valine.
Molecular consequence: missense variant. On other transcripts: intron variant (9).
Genome position (GRCh38, 1-based): chr10:20,858,317, T>C on the plus strand (A>G on the coding strand, the complement: NEBL is on the minus strand). VCF-style: chr10-20858317-T-C. GRCh37 (hg19) VCF-style: chr10-21147246-T-C.
Other names: c.250-45377A>G (NM_001377326.1, NM_001377327.1, NM_001377328.1); c.358-45377A>G (NM_213569.2, NM_001173484.2, NM_001377322.1); c.301-45377A>G (NM_001377324.1); c.292-45377A>G (NM_001377325.1); c.310-45377A>G (NM_001377323.1); short protein forms M276V.
Identifiers: ClinVar variation 520252 (VCV000520252.13), dbSNP rs1373986579, ClinGen allele CA376101727.